The following is an entry in ClinVar:

NM_033310.3(KCNK4):c.404T>C (p.Leu135Pro)

Genes: KCNK4 (potassium two pore domain channel subfamily K member 4; plus strand), KCNK4-CATSPERZ (KCNK4-CATSPERZ readthrough (NMD candidate); plus strand). Cytogenetic location: 11q13.1.
Variant type: single nucleotide variant.
Coding change: c.404T>C on transcript NM_033310.3 (MANE Select); coding-DNA position 404, T replaced by C.
Protein change: p.Leu135Pro; replaces leucine 135 with proline.
Molecular consequence: missense variant. On other transcripts: non-coding transcript variant (3).
Genome position (GRCh38, 1-based): chr11:64,297,209, T>C. VCF-style: chr11-64297209-T-C. GRCh37 (hg19) VCF-style: chr11-64064681-T-C.
Other names: c.404T>C, p.Leu135Pro (NM_001317090.2, NM_033311.1); short protein forms L135P.
Identifiers: ClinVar variation 1903765 (VCV001903765.5), dbSNP rs1270794262, ClinGen allele CA381164505.

ClinVar aggregate classification (germline): Uncertain significance (1 of 4 stars; one submission).

Allele frequency attached by ClinVar (database versions not stated): gnomAD exomes below 0.00001; gnomAD 0.00001.
gnomAD v4.1: 8 of 1,614,038 alleles (0.0005%); highest among the groups gnomAD compares: Non-Finnish European, 0.00059%; no homozygotes.

Submission:

Labcorp Genetics (formerly Invitae), Labcorp
Classification: Uncertain significance. Last evaluated: 2021-12-12. Review status: criteria provided, single submitter. Criteria: Invitae Variant Classification Sherloc (09022015). Collection method: clinical testing. Allele origin: germline.
Comment: In summary, the available evidence is currently insufficient to determine the role of this variant in disease. Therefore, it has been classified as a Variant of Uncertain Significance. Algorithms developed to predict the effect of missense changes on protein structure and function are either unavailable or do not agree on the potential impact of this missense change (SIFT: "Not Available"; PolyPhen-2: "Probably Damaging"; Align-GVGD: "Not Available"). This variant has not been reported in the literature in individuals affected with KCNK4-related conditions. This variant is present in population databases (no rsID available, gnomAD 0.0009%). This sequence change replaces leucine, which is neutral and non-polar, with proline, which is neutral and non-polar, at codon 135 of the KCNK4 protein (p.Leu135Pro).